The following is an entry in ClinVar:

ClinVar aggregate classification (germline): Uncertain significance. Review status: criteria provided, multiple submitters, no conflicts (2 of 4 stars). 2 submissions from 2 submitters: Uncertain significance (2). Last evaluated 2026-09-25.

Conditions:
PLEC-related disorder. Also called: PLEC-related condition; PLEC-related disorders.
Autosomal recessive limb-girdle muscular dystrophy type 2Q (LGMDR17). Also called: MUSCULAR DYSTROPHY, LIMB-GIRDLE, AUTOSOMAL RECESSIVE 17. Identifiers: Orphanet 254361, MedGen C3150989, MONDO:0013390, OMIM 613723.
Epidermolysis bullosa simplex with nail dystrophy (EBS5D). Identifiers: MedGen C4225309, MONDO:0014661, OMIM 616487.
Epidermolysis bullosa simplex 5B, with muscular dystrophy (EBS5B). Also called: EPIDERMOLYSIS BULLOSA SIMPLEX AND LIMB-GIRDLE MUSCULAR DYSTROPHY; Epidermolysis bullosa simplex with muscular dystrophy. Identifiers: Orphanet 257, MedGen C2931072, MONDO:0009181, OMIM 226670.
Epidermolysis bullosa simplex, Ogna type (EBS5A). Also called: Pidermolysis bullosa simplex 5A, Ogna type; EPIDERMOLYSIS BULLOSA SIMPLEX 5A, OGNA TYPE. Identifiers: Orphanet 79401, MedGen C0432317, MONDO:0007555, OMIM 131950.
Epidermolysis bullosa simplex 5C, with pyloric atresia (EBS5C). Also called: PLEC1-Related Epidermolysis Bullosa with Pyloric Atresia; PLEC-Related Epidermolysis Bullosa with Pyloric Atresia; Epidermolysis bullosa simplex with pyloric atresia. Identifiers: Orphanet 158684, MedGen C2677349, MONDO:0012807, OMIM 612138.

Allele frequency attached by ClinVar (database versions not stated): gnomAD exomes 0.00002 and 0.00007; ExAC 0.00014; gnomAD 0.00028 and 0.00029; 1000 Genomes Project 0.00100; 1000 Genomes Project 30x 0.00125.
gnomAD v4.1: 71 of 1,586,314 alleles (0.0045%); highest among the groups gnomAD compares: African/African-American, 0.078%; 1 homozygote.

Submissions (2):

PreventionGenetics, part of Exact Sciences
Classification: Uncertain significance for PLEC-related condition. Last evaluated: 2026-09-25. Review status: criteria provided, single submitter. Criteria: ACMG Guidelines, 2015. Collection method: clinical testing. Allele origin: germline.
Comment: The PLEC c.4786A>G variant is predicted to result in the amino acid substitution p.Thr1596Ala. To our knowledge, this variant has not been reported in the literature. This variant is reported in 0.091% of alleles in individuals of African descent in gnomAD. Although we suspect that this variant may be benign, at this time, the clinical significance of this variant is uncertain due to the absence of conclusive functional and genetic evidence.

Labcorp Genetics (formerly Invitae), Labcorp
Classification: Uncertain significance for Autosomal recessive limb-girdle muscular dystrophy type 2Q; Epidermolysis bullosa simplex, Ogna type; Epidermolysis bullosa simplex with nail dystrophy; Epidermolysis bullosa simplex 5C, with pyloric atresia; Epidermolysis bullosa simplex 5B, with muscular dystrophy. Last evaluated: 2025-11-21. Review status: criteria provided, single submitter. Criteria: Invitae Variant Classification Sherloc (09022015). Collection method: clinical testing. Allele origin: germline.
Comment: This sequence change replaces threonine, which is neutral and polar, with alanine, which is neutral and non-polar, at codon 1596 of the PLEC protein (p.Thr1596Ala). This variant is present in population databases (rs560777323, gnomAD 0.09%), including at least one homozygous and/or hemizygous individual. This variant has not been reported in the literature in individuals affected with PLEC-related conditions. ClinVar contains an entry for this variant (Variation ID: 1399885). Experimental studies and prediction algorithms are not available or were not evaluated, and the functional significance of this variant is currently unknown. In summary, the available evidence is currently insufficient to determine the role of this variant in disease. Therefore, it has been classified as a Variant of Uncertain Significance.

NM_201384.3(PLEC):c.4705A>G (p.Thr1569Ala)

Gene: PLEC (plectin; minus strand). Cytogenetic location: 8q24.3.
Variant type: single nucleotide variant.
Coding change: c.4705A>G on transcript NM_201384.3 (MANE Select); coding-DNA position 4705, A replaced by G.
Protein change: p.Thr1569Ala; replaces threonine 1569 with alanine.
Molecular consequence: missense variant.
Genome position (GRCh38, 1-based): chr8:143,925,224, T>C on the plus strand (A>G on the coding strand, the complement: PLEC is on the minus strand). VCF-style: chr8-143925224-T-C. GRCh37 (hg19) VCF-style: chr8-144999392-T-C.
Other names: c.4786A>G (NM_000445.4); c.4786A>G, p.Thr1596Ala (NM_000445.5); c.4663A>G, p.Thr1555Ala (NM_201378.4); c.4639A>G, p.Thr1547Ala (NM_201379.3); c.5116A>G, p.Thr1706Ala (NM_201380.4); c.4609A>G, p.Thr1537Ala (NM_201381.3); c.4705A>G, p.Thr1569Ala (NM_201382.4); c.4717A>G, p.Thr1573Ala (NM_201383.3); short protein forms T1547A, T1573A, T1569A, T1706A, T1537A, T1555A, T1596A.
Identifiers: ClinVar variation 1399885 (VCV001399885.7), dbSNP rs560777323, ClinGen allele CA4926564.